The following is an entry in ClinVar:

NM_014049.5(ACAD9):c.578G>A (p.Arg193Gln)

Gene: ACAD9 (acyl-CoA dehydrogenase family member 9; plus strand). Cytogenetic location: 3q21.3.
Variant type: single nucleotide variant.
Coding change: c.578G>A on transcript NM_014049.5 (MANE Select); coding-DNA position 578, G replaced by A.
Protein change: p.Arg193Gln; replaces arginine 193 with glutamine.
Molecular consequence: missense variant. On other transcripts: non-coding transcript variant (1).
Genome position (GRCh38, 1-based): chr3:128,897,655, G>A. VCF-style: chr3-128897655-G-A. GRCh37 (hg19) VCF-style: chr3-128616498-G-A.
Other names: c.209G>A, p.Arg70Gln (NM_001410805.1); short protein forms R70Q, R193Q.
Identifiers: ClinVar variation 4209413 (VCV004209413.2).
Genomic context (GRCh38, chr3:128,897,655, plus strand): 5'-AGTATTCTCCCTTGACCACATCTTTCTGCATCTGCAGTGGGAGCGATGCAGCCTCAATCC[G>A]GAGCAGAGCCACACTAAGTGAAGACAAGAAGCACTACATCCTCAATGGCTCCAAGGTAGG-3'
Protein context (NP_054768.2, residues 183-203): PASGSDAASI[Arg193Gln]SRATLSEDKK

ClinVar aggregate classification (germline): Conflicting classifications of pathogenicity. Review status: criteria provided, conflicting classifications (1 of 4 stars). 2 submissions from 2 submitters: Uncertain significance (1); Likely benign (1). Last evaluated 2026-03-17.

Conditions:
Inborn genetic diseases. Identifiers: MedGen C0950123, MeSH D030342.

gnomAD v4.1: 27 of 1,613,678 alleles (0.0017%); highest among the groups gnomAD compares: African/African-American, 0.025%; no homozygotes.

Submissions (2):

GeneDx
Classification: Uncertain significance. Last evaluated: 2026-03-17. Review status: criteria provided, single submitter. Criteria: GeneDx Variant Classification Process June 2021. Collection method: clinical testing. Allele origin: germline.
Comment: In silico analysis suggests that this missense variant does not alter protein structure/function; Has not been previously published as pathogenic or benign to our knowledge

Ambry Genetics
Classification: Likely benign for Inborn genetic diseases. Last evaluated: 2025-06-17. Review status: criteria provided, single submitter. Criteria: Ambry Variant Classification Scheme 2023. Collection method: clinical testing. Allele origin: germline.